The following is an entry in ClinVar:

ClinVar aggregate classification (germline): Uncertain significance. Review status: criteria provided, multiple submitters, no conflicts (2 of 4 stars). 2 submissions from 2 submitters: Uncertain significance (2). Last evaluated 2025-03-31.

Conditions:
Hereditary cancer-predisposing syndrome. Also called: Neoplastic Syndromes, Hereditary; Tumor predisposition; Hereditary neoplastic syndrome; Hereditary Cancer Syndrome. Identifiers: Orphanet 140162, MedGen C0027672, MeSH D009386, MONDO:0015356.

Allele frequency attached by ClinVar (database versions not stated): gnomAD exomes below 0.00001.
gnomAD v4.1: 2 of 1,614,164 alleles (0.00012%); highest among the groups gnomAD compares: Non-Finnish European, 0.00017%; no homozygotes.

Submissions (2):

Labcorp Genetics (formerly Invitae), Labcorp
Classification: Uncertain significance. Last evaluated: 2025-03-31. Review status: criteria provided, single submitter. Criteria: Invitae Variant Classification Sherloc (09022015). Collection method: clinical testing. Allele origin: germline.
Comment: This sequence change replaces histidine, which is basic and polar, with aspartic acid, which is acidic and polar, at codon 2094 of the POLE protein (p.His2094Asp). This variant is not present in population databases (gnomAD no frequency). This variant has not been reported in the literature in individuals affected with POLE-related conditions. ClinVar contains an entry for this variant (Variation ID: 643294). Invitae Evidence Modeling of protein sequence and biophysical properties (such as structural, functional, and spatial information, amino acid conservation, physicochemical variation, residue mobility, and thermodynamic stability) indicates that this missense variant is not expected to disrupt POLE protein function with a negative predictive value of 80%. In summary, the available evidence is currently insufficient to determine the role of this variant in disease. Therefore, it has been classified as a Variant of Uncertain Significance.

Ambry Genetics
Classification: Uncertain significance for Hereditary cancer-predisposing syndrome. Last evaluated: 2024-12-06. Review status: criteria provided, single submitter. Criteria: Ambry Variant Classification Scheme 2023. Collection method: clinical testing. Allele origin: germline.
Comment: The p.H2094D variant (also known as c.6280C>G), located in coding exon 45 of the POLE gene, results from a C to G substitution at nucleotide position 6280. The histidine at codon 2094 is replaced by aspartic acid, an amino acid with similar properties. This amino acid position is conserved. In addition, the in silico prediction for this alteration is inconclusive. Based on the available evidence, the clinical significance of this variant remains unclear.

NM_006231.4(POLE):c.6280C>G (p.His2094Asp)

Gene: POLE (DNA polymerase epsilon, catalytic subunit; minus strand). Cytogenetic location: 12q24.33.
Variant type: single nucleotide variant.
Coding change: c.6280C>G on transcript NM_006231.4 (MANE Select); coding-DNA position 6280, C replaced by G.
Protein change: p.His2094Asp; replaces histidine 2094 with aspartic acid.
Molecular consequence: missense variant.
Genome position (GRCh38, 1-based): chr12:132,632,365, G>C on the plus strand (C>G on the coding strand, the complement: POLE is on the minus strand). VCF-style: chr12-132632365-G-C. GRCh37 (hg19) VCF-style: chr12-133208951-G-C.
Other names: c.6280C>G (NM_006231.2); short protein forms H2094D.
Identifiers: ClinVar variation 643294 (VCV000643294.9), dbSNP rs1593707742, ClinGen allele CA387369411.